The following is an entry in ClinVar:

ClinVar aggregate classification (germline): Uncertain significance (1 of 4 stars; one submission).

Conditions:
Granulomatous disease, chronic, X-linked. Also called: CYTOCHROME b-NEGATIVE GRANULOMATOUS DISEASE, CHRONIC, X-LINKED; GRANULOMATOUS DISEASE, CHRONIC, X-LINKED, SOMATIC MOSAIC. Identifiers: Orphanet 379, MedGen C1844376, MONDO:0010600, OMIM 306400.

Submission:

Labcorp Genetics (formerly Invitae), Labcorp
Classification: Uncertain significance for Granulomatous disease, chronic, X-linked. Last evaluated: 2024-04-11. Review status: criteria provided, single submitter. Criteria: Invitae Variant Classification Sherloc (09022015). Collection method: clinical testing. Allele origin: germline.
Comment: This sequence change replaces arginine, which is basic and polar, with glutamine, which is neutral and polar, at codon 513 of the CYBB protein (p.Arg513Gln). This variant is not present in population databases (gnomAD no frequency). This variant has not been reported in the literature in individuals affected with CYBB-related conditions. Advanced modeling of protein sequence and biophysical properties (such as structural, functional, and spatial information, amino acid conservation, physicochemical variation, residue mobility, and thermodynamic stability) performed at Invitae indicates that this missense variant is expected to disrupt CYBB protein function with a positive predictive value of 80%. In summary, the available evidence is currently insufficient to determine the role of this variant in disease. Therefore, it has been classified as a Variant of Uncertain Significance.

NM_000397.4(CYBB):c.1538G>A (p.Arg513Gln)

Gene: CYBB (cytochrome b-245 beta chain; plus strand). Cytogenetic location: Xp11.4.
Variant type: single nucleotide variant.
Coding change: c.1538G>A on transcript NM_000397.4 (MANE Select); coding-DNA position 1538, G replaced by A.
Protein change: p.Arg513Gln; replaces arginine 513 with glutamine.
Molecular consequence: missense variant.
Genome position (GRCh38, 1-based): chrX:37,809,643, G>A. VCF-style: chrX-37809643-G-A. GRCh37 (hg19) VCF-style: chrX-37668896-G-A.
Other names: short protein forms R513Q.
Identifiers: ClinVar variation 3630179 (VCV003630179.2).